The following is an entry in ClinVar:

ClinVar aggregate classification (germline): Uncertain significance (1 of 4 stars; one submission).

Conditions:
Congenital adrenal hyperplasia due to cytochrome P450 oxidoreductase deficiency. Also called: DISORDERED STEROIDOGENESIS DUE TO POR DEFICIENCY. Identifiers: Orphanet 95699, MedGen C1860042, MONDO:0013310, OMIM 613571.

gnomAD v4.1: 1 of 1,612,576 alleles (0.000062%); no homozygotes.

Submission:

3billion
Classification: Uncertain significance for Congenital adrenal hyperplasia due to cytochrome P450 oxidoreductase deficiency. Last evaluated: 2025-08-27. Review status: criteria provided, single submitter. Criteria: ACMG Guidelines, 2015. Collection method: clinical testing. Allele origin: germline. Affected: yes.
Comment: The variant is observed at an extremely low frequency in the gnomAD v4.1.0 dataset (total allele frequency: <0.001%). Predicted Consequence/Location: Missense variant. The majority of the known disease-causing variants of this gene are variants expected to result in premature termination of the protein. In silico tool predictions suggest damaging effect of the variant on gene or gene product [REVEL: 0.84 (>=0.6, sensitivity 0.68 and specificity 0.92); 3Cnet: 0.11 (> 0.75, sensitivity 0.96 and precision 0.92)]. Therefore, this variant is classified as VUS according to the recommendation of ACMG/AMP guideline.

NM_001395413.1(POR):c.1879T>C (p.Tyr627His)

Gene: POR (cytochrome p450 oxidoreductase; plus strand). Cytogenetic location: 7q11.23.
Variant type: single nucleotide variant.
Coding change: c.1879T>C on transcript NM_001395413.1 (MANE Select); coding-DNA position 1879, T replaced by C.
Protein change: p.Tyr627His; replaces tyrosine 627 with histidine.
Molecular consequence: missense variant.
Genome position (GRCh38, 1-based): chr7:75,986,231, T>C. VCF-style: chr7-75986231-T-C. GRCh37 (hg19) VCF-style: chr7-75615549-T-C.
Other names: c.1879T>C, p.Tyr627His (NM_001367562.3, NM_001382657.2, NM_001382658.3 and 1 more transcripts); c.1933T>C, p.Tyr645His (NM_001382655.3); c.1729T>C, p.Tyr577His (NM_001382662.3); c.1888T>C (NM_000941.3); short protein forms Y577H, Y627H, Y645H.
Identifiers: ClinVar variation 4855686 (VCV004855686.1).